The following is an entry in ClinVar:

NM_006531.5(IFT88):c.818A>C (p.Lys273Thr)

Gene: IFT88 (intraflagellar transport 88; plus strand). Cytogenetic location: 13q12.11.
Variant type: single nucleotide variant.
Coding change: c.818A>C on transcript NM_006531.5 (MANE Select); coding-DNA position 818, A replaced by C.
Protein change: p.Lys273Thr; replaces lysine 273 with threonine.
Molecular consequence: missense variant. On other transcripts: non-coding transcript variant (5).
Genome position (GRCh38, 1-based): chr13:20,601,710, A>C. VCF-style: chr13-20601710-A-C. GRCh37 (hg19) VCF-style: chr13-21175849-A-C.
Other names: c.761A>C, p.Lys254Thr (NM_001318491.2, NM_001353573.2, NM_001353574.2 and 1 more transcripts); c.845A>C, p.Lys282Thr (NM_001318493.2, NM_001353565.2, NM_001353566.2 and 6 more transcripts); c.818A>C, p.Lys273Thr (NM_001353568.2, NM_001353571.2, NM_001353572.2 and 1 more transcripts); c.185A>C, p.Lys62Thr (NM_001353579.2); short protein forms K273T, K62T, K254T, K282T.
Identifiers: ClinVar variation 2090731 (VCV002090731.4), dbSNP rs200419751, ClinGen allele CA6905201.

ClinVar aggregate classification (germline): Uncertain significance (1 of 4 stars; one submission).

Allele frequency attached by ClinVar (database versions not stated): gnomAD exomes below 0.00001; ExAC 0.00001; gnomAD 0.00001; 1000 Genomes Project 30x 0.00016; 1000 Genomes Project 0.00020.
gnomAD v4.1: 5 of 1,593,528 alleles (0.00031%); highest among the groups gnomAD compares: Non-Finnish European, 0.00043%; no homozygotes.

Submission:

Labcorp Genetics (formerly Invitae), Labcorp
Classification: Uncertain significance. Last evaluated: 2024-10-16. Review status: criteria provided, single submitter. Criteria: Invitae Variant Classification Sherloc (09022015). Collection method: clinical testing. Allele origin: germline.
Comment: This sequence change replaces lysine, which is basic and polar, with threonine, which is neutral and polar, at codon 282 of the IFT88 protein (p.Lys282Thr). This variant is present in population databases (rs200419751, gnomAD 0.0009%). This variant has not been reported in the literature in individuals affected with IFT88-related conditions. ClinVar contains an entry for this variant (Variation ID: 2090731). An algorithm developed to predict the effect of missense changes on protein structure and function (PolyPhen-2) suggests that this variant is likely to be disruptive. In summary, the available evidence is currently insufficient to determine the role of this variant in disease. Therefore, it has been classified as a Variant of Uncertain Significance.